The following is an entry in ClinVar:

NM_000038.6(APC):c.8276G>T (p.Arg2759Leu)

Gene: APC (APC regulator of Wnt signaling pathway; plus strand). Cytogenetic location: 5q22.2.
Variant type: single nucleotide variant.
Coding change: c.8276G>T on transcript NM_000038.6 (MANE Select); coding-DNA position 8276, G replaced by T.
Protein change: p.Arg2759Leu; replaces arginine 2759 with leucine.
Molecular consequence: missense variant.
Genome position (GRCh38, 1-based): chr5:112,843,870, G>T. VCF-style: chr5-112843870-G-T. GRCh37 (hg19) VCF-style: chr5-112179567-G-T.
Other names: c.8276G>T, p.Arg2759Leu (NM_001127510.3, NM_001354895.2); c.8222G>T, p.Arg2741Leu (NM_001127511.3); c.8330G>T, p.Arg2777Leu (NM_001354896.2); c.8306G>T, p.Arg2769Leu (NM_001354897.2); c.8201G>T, p.Arg2734Leu (NM_001354898.2); c.8192G>T, p.Arg2731Leu (NM_001354899.2); c.8153G>T, p.Arg2718Leu (NM_001354900.2); c.8099G>T, p.Arg2700Leu (NM_001354901.2); and 5 more; short protein forms R2599L, R2734L, R2476L, R2718L, R2759L, R2777L, R2658L, R2668L.
Identifiers: ClinVar variation 827551 (VCV000827551.17), dbSNP rs538289470, ClinGen allele CA050386.
Genomic context (GRCh38, chr5:112,843,870, plus strand): 5'-AACCAGGACAAAATAATCCTGTCCCTGTATCAGAGACTAATGAAAGTTCTATAGTGGAAC[G>T]TACCCCATTCAGTTCTAGCAGCTCAAGCAAACACAGTTCACCTAGTGGGACTGTTGCTGC-3'
Protein context (NP_000029.2, residues 2749-2769): SETNESSIVE[Arg2759Leu]TPFSSSSSSK

ClinVar aggregate classification (germline): Conflicting classifications of pathogenicity. Review status: criteria provided, conflicting classifications (1 of 4 stars). 3 submissions from 3 submitters: Uncertain significance (2); Benign (1). Last evaluated 2025-02-06.

Conditions:
Hereditary cancer-predisposing syndrome. Also called: Neoplastic Syndromes, Hereditary; Tumor predisposition; Hereditary neoplastic syndrome; Hereditary Cancer Syndrome. Identifiers: Orphanet 140162, MedGen C0027672, MeSH D009386, MONDO:0015356.
Familial adenomatous polyposis 1 (FAP1). Also called: POLYPOSIS, ADENOMATOUS INTESTINAL; FAMILIAL ADENOMATOUS POLYPOSIS 1, ATTENUATED. Identifiers: MedGen C2713442, MONDO:0021056, OMIM 175100. Disease mechanism: loss of function.

Allele frequency attached by ClinVar (database versions not stated): TOPMed 0.00001; 1000 Genomes Project 30x 0.00016; 1000 Genomes Project 0.00020.
gnomAD v4.1: 1 of 1,613,930 alleles (0.000062%); highest among the groups gnomAD compares: African/African-American, 0.0013%; no homozygotes.

Submissions (3):

Labcorp Genetics (formerly Invitae), Labcorp
Classification: Uncertain significance for Familial adenomatous polyposis 1. Last evaluated: 2025-02-06. Review status: criteria provided, single submitter. Criteria: Invitae Variant Classification Sherloc (09022015). Collection method: clinical testing. Allele origin: germline.
Comment: This sequence change replaces arginine, which is basic and polar, with leucine, which is neutral and non-polar, at codon 2759 of the APC protein (p.Arg2759Leu). This variant is present in population databases (rs538289470, gnomAD 0.01%). This variant has not been reported in the literature in individuals affected with APC-related conditions. ClinVar contains an entry for this variant (Variation ID: 827551). Invitae Evidence Modeling of protein sequence and biophysical properties (such as structural, functional, and spatial information, amino acid conservation, physicochemical variation, residue mobility, and thermodynamic stability) indicates that this missense variant is not expected to disrupt APC protein function with a negative predictive value of 95%. In summary, the available evidence is currently insufficient to determine the role of this variant in disease. Therefore, it has been classified as a Variant of Uncertain Significance.

Ambry Genetics
Classification: Benign for Hereditary cancer-predisposing syndrome. Last evaluated: 2025-01-02. Review status: criteria provided, single submitter. Criteria: Ambry Variant Classification Scheme 2023. Collection method: clinical testing. Allele origin: germline.

Baylor Genetics
Classification: Uncertain significance for Familial adenomatous polyposis 1. Last evaluated: 2024-01-30. Review status: criteria provided, single submitter. Criteria: ACMG Guidelines, 2015. Collection method: clinical testing. Allele origin: unknown.